The following is an entry in ClinVar:

NM_004211.5(SLC6A5):c.1469C>T (p.Ser490Phe)

Gene: SLC6A5 (solute carrier family 6 member 5; plus strand). Cytogenetic location: 11p15.1.
Variant type: single nucleotide variant.
Coding change: c.1469C>T on transcript NM_004211.5 (MANE Select); coding-DNA position 1469, C replaced by T.
Protein change: p.Ser490Phe; replaces serine 490 with phenylalanine.
Molecular consequence: missense variant.
Genome position (GRCh38, 1-based): chr11:20,628,053, C>T. VCF-style: chr11-20628053-C-T. GRCh37 (hg19) VCF-style: chr11-20649599-C-T.
Other names: c.767C>T, p.Ser256Phe (NM_001318369.2); short protein forms S490F, S256F.
Identifiers: ClinVar variation 2920508 (VCV002920508.3), dbSNP rs1197374743, ClinGen allele CA379917316.

ClinVar aggregate classification (germline): Uncertain significance (1 of 4 stars; one submission).

Conditions:
Hyperekplexia 3 (HKPX3). Also called: HYPEREKPLEXIA 3, AUTOSOMAL RECESSIVE; HYPEREKPLEXIA 3, AUTOSOMAL DOMINANT. Identifiers: Orphanet 3197, MedGen C3553288, MONDO:0013827, OMIM 614618.

Allele frequency attached by ClinVar (database versions not stated): gnomAD 0.00001; gnomAD exomes 0.00001; TOPMed 0.00002.
gnomAD v4.1: 25 of 1,613,992 alleles (0.0015%); highest among the groups gnomAD compares: Non-Finnish European, 0.0019%; no homozygotes.

Submission:

Labcorp Genetics (formerly Invitae), Labcorp
Classification: Uncertain significance for Hyperekplexia 3. Last evaluated: 2024-01-17. Review status: criteria provided, single submitter. Criteria: Invitae Variant Classification Sherloc (09022015). Collection method: clinical testing. Allele origin: germline.
Comment: This sequence change replaces serine, which is neutral and polar, with phenylalanine, which is neutral and non-polar, at codon 490 of the SLC6A5 protein (p.Ser490Phe). This variant is present in population databases (no rsID available, gnomAD 0.002%). This variant has not been reported in the literature in individuals affected with SLC6A5-related conditions. Advanced modeling of protein sequence and biophysical properties (such as structural, functional, and spatial information, amino acid conservation, physicochemical variation, residue mobility, and thermodynamic stability) performed at Invitae indicates that this missense variant is expected to disrupt SLC6A5 protein function with a positive predictive value of 80%. In summary, the available evidence is currently insufficient to determine the role of this variant in disease. Therefore, it has been classified as a Variant of Uncertain Significance.